The following is an entry in ClinVar:

NM_003334.4(UBA1):c.119G>T (p.Gly40Val)

Genes: UBA1 (ubiquitin like modifier activating enzyme 1; plus strand), LOC126863253 (CDK7 strongly-dependent group 2 enhancer GRCh37_chrX:47057593-47058792; plus strand). Cytogenetic location: Xp11.3.
Variant type: single nucleotide variant.
Coding change: c.119G>T on transcript NM_003334.4 (MANE Select); coding-DNA position 119, G replaced by T.
Protein change: p.Gly40Val; replaces glycine 40 with valine.
Molecular consequence: missense variant.
Genome position (GRCh38, 1-based): chrX:47,199,049, G>T. VCF-style: chrX-47199049-G-T. GRCh37 (hg19) VCF-style: chrX-47058448-G-T.
Other names: c.161G>T, p.Gly54Val (NM_001440807.1); c.137G>T, p.Gly46Val (NM_001440809.1, NM_001440810.1); c.119G>T, p.Gly40Val (NM_001440811.1, NM_001440812.1, NM_153280.3); short protein forms G46V, G54V, G40V.
Identifiers: ClinVar variation 4704993 (VCV004704993.1).

ClinVar aggregate classification (germline): Uncertain significance (1 of 4 stars; one submission).

Conditions:
Infantile-onset X-linked spinal muscular atrophy. Also called: SPINAL MUSCULAR ATROPHY, X-LINKED LETHAL INFANTILE; Spinal Muscular Atrophy, X-Linked Infantile; Spinal muscular atrophy, X-linked 2; AMC, DISTAL, X-LINKED; ARTHROGRYPOSIS, X-LINKED, TYPE I. Identifiers: Orphanet 1145, MedGen C1844934, MONDO:0010532, OMIM 301830.

Submission:

Labcorp Genetics (formerly Invitae), Labcorp
Classification: Uncertain significance for Infantile-onset X-linked spinal muscular atrophy. Last evaluated: 2025-08-18. Review status: criteria provided, single submitter. Criteria: Invitae Variant Classification Sherloc (09022015). Collection method: clinical testing. Allele origin: germline.
Comment: This sequence change replaces glycine, which is neutral and non-polar, with valine, which is neutral and non-polar, at codon 40 of the UBA1 protein (p.Gly40Val). This variant is not present in population databases (gnomAD no frequency). This variant has not been reported in the literature in individuals affected with UBA1-related conditions. An algorithm developed to predict the effect of missense changes on protein structure and function (PolyPhen-2) suggests that this variant is likely to be tolerated. In summary, the available evidence is currently insufficient to determine the role of this variant in disease. Therefore, it has been classified as a Variant of Uncertain Significance.